The following is an entry in ClinVar:

NM_052947.4(ALPK2):c.4364C>T (p.Pro1455Leu)

Genes: ALPK2 (alpha kinase 2; minus strand), LOC126862764 (BRD4-independent group 4 enhancer GRCh37_chr18:56202574-56203773; plus strand). Cytogenetic location: 18q21.31.
Variant type: single nucleotide variant.
Coding change: c.4364C>T on transcript NM_052947.4 (MANE Select); coding-DNA position 4364, C replaced by T.
Protein change: p.Pro1455Leu; replaces proline 1455 with leucine.
Molecular consequence: missense variant.
Genome position (GRCh38, 1-based): chr18:58,535,823, G>A on the plus strand (C>T on the coding strand, the complement: ALPK2 is on the minus strand). VCF-style: chr18-58535823-G-A. GRCh37 (hg19) VCF-style: chr18-56203055-G-A.
Other names: short protein forms P1455L.
Identifiers: ClinVar variation 1740041 (VCV001740041.2), dbSNP rs1460971016, ClinGen allele CA402562972.

ClinVar aggregate classification (germline): Uncertain significance (1 of 4 stars; one submission).

Allele frequency attached by ClinVar (database versions not stated): gnomAD exomes below 0.00001; TOPMed 0.00001.
gnomAD v4.1: 1 of 1,614,210 alleles (0.000062%); highest among the groups gnomAD compares: Admixed American, 0.0017%; no homozygotes.

Submission:

Ambry Genetics
Classification: Uncertain significance. Last evaluated: 2021-12-04. Review status: criteria provided, single submitter. Criteria: Ambry Variant Classification Scheme 2023. Collection method: clinical testing. Allele origin: germline.
Comment: The p.P1455L variant (also known as c.4364C>T), located in coding exon 4 of the ALPK2 gene, results from a C to T substitution at nucleotide position 4364. The proline at codon 1455 is replaced by leucine, an amino acid with similar properties. This amino acid position is conserved. In addition, this alteration is predicted to be tolerated by in silico analysis. Since supporting evidence is limited at this time, the clinical significance of this alteration remains unclear.